The following is an entry in ClinVar:

ClinVar aggregate classification (germline): Pathogenic (1 of 4 stars; one submission).

Conditions:
Hereditary spastic paraplegia 4. Also called: Spastic paraplegia 4, autosomal dominant; Spastic Paraplegia 4; Familial spastic paraplegia autosomal dominant 2. Identifiers: Orphanet 100985, MedGen C1866855, MONDO:0008438, OMIM 182601.

Submission:

Labcorp Genetics (formerly Invitae), Labcorp
Classification: Pathogenic for Hereditary spastic paraplegia 4. Last evaluated: 2023-05-01. Review status: criteria provided, single submitter. Criteria: Invitae Variant Classification Sherloc (09022015). Collection method: clinical testing. Allele origin: germline.
Comment: This variant is a gross deletion of the genomic region encompassing exon(s) 8-12 of the SPAST gene. This deletion is out-of-frame, and is expected to create a premature termination codon and result in an absent or disrupted protein product. Loss-of-function variants in SPAST are known to be pathogenic (PMID: 20932283). For these reasons, this variant has been classified as Pathogenic. A similar copy number variant has been observed in individual(s) with hereditary spastic paraplegia (PMID: 17098887).

Literature cited by the submitters: PubMed 20932283; PubMed 17098887.

NC_000002.11:g.(?_32351997)_(32362277_?)del

Gene: SPAST (spastin; plus strand). Cytogenetic location: 2p22.3.
Variant type: Deletion.
Identifiers: ClinVar variation 2426008 (VCV002426008.4).